The following is an entry in ClinVar:

NM_172351.3(CD46):c.891C>T (p.Ser297=)

Gene: CD46 (CD46 molecule; plus strand). Cytogenetic location: 1q32.2.
Variant type: single nucleotide variant.
Coding change: c.891C>T on transcript NM_172351.3 (MANE Select); coding-DNA position 891, C replaced by T.
Protein change: p.Ser297=; no amino-acid change (serine 297 retained).
Molecular consequence: synonymous variant. On other transcripts: intron variant (5).
Genome position (GRCh38, 1-based): chr1:207,767,813, C>T. VCF-style: chr1-207767813-C-T. GRCh37 (hg19) VCF-style: chr1-207941158-C-T.
Other names: c.936C>T, p.Ser312= (NM_002389.4, NM_172359.3); c.891C>T, p.Ser297= (NM_153826.4, NM_172355.3, NM_172356.3 and 1 more transcripts); c.856+618C>T (NM_172352.3, NM_172353.3, NM_172350.3 and 2 more transcripts).
Identifiers: ClinVar variation 4770864 (VCV004770864.1).
Genomic context (GRCh38, chr1:207,767,813, plus strand): 5'-ATCTACATTATTATTTTGTTTTCCAGTGTCGACTTCTTCCACTACAAAATCTCCAGCGTC[C>T]AGTGCCTCAGGTTTAGTAATTTCCTGCTTATAGTTTTTCAAAAATCCTTTAAATTCCTGG-3'
Protein context (NP_758861.1, residues 287-307): STSSTTKSPA[Ser297=]SASGPRPTYK

ClinVar aggregate classification (germline): Uncertain significance (1 of 4 stars; one submission).

gnomAD v4.1: 1 of 1,609,990 alleles (0.000062%); highest among the groups gnomAD compares: Admixed American, 0.0017%; no homozygotes.

Submission:

Labcorp Genetics (formerly Invitae), Labcorp
Classification: Uncertain significance. Last evaluated: 2025-08-30. Review status: criteria provided, single submitter. Criteria: Invitae Variant Classification Sherloc (09022015). Collection method: clinical testing. Allele origin: germline.
Comment: This sequence change affects codon 312 of the CD46 mRNA. It is a 'silent' change, meaning that it does not change the encoded amino acid sequence of the CD46 protein. This variant is present in population databases (rs778868573, gnomAD 0.003%). This variant has not been reported in the literature in individuals affected with CD46-related conditions. Algorithms developed to predict the effect of sequence changes on RNA splicing suggest that this variant may disrupt the consensus splice site. In summary, the available evidence is currently insufficient to determine the role of this variant in disease. Therefore, it has been classified as a Variant of Uncertain Significance.